The following is an entry in ClinVar:

ClinVar aggregate classification (germline): Uncertain significance (1 of 4 stars; one submission).

Conditions:
Autoimmune lymphoproliferative syndrome type 2A (ALPS2A). Also called: Autoimmune lymphoproliferative syndrome type 2; AUTOIMMUNE LYMPHOPROLIFERATIVE SYNDROME, TYPE IIA; CASP10-Related Autoimmune Lymphoproliferative Syndrome. Identifiers: Orphanet 3261, MedGen C1858968, MONDO:0011383, OMIM 603909.

Submission:

Labcorp Genetics (formerly Invitae), Labcorp
Classification: Uncertain significance for Autoimmune lymphoproliferative syndrome type 2A. Last evaluated: 2023-07-31. Review status: criteria provided, single submitter. Criteria: Invitae Variant Classification Sherloc (09022015). Collection method: clinical testing. Allele origin: germline.
Comment: In summary, the available evidence is currently insufficient to determine the role of this variant in disease. Therefore, it has been classified as a Variant of Uncertain Significance. Experimental studies and prediction algorithms are not available or were not evaluated, and the functional significance of this variant is currently unknown. This variant has not been reported in the literature in individuals affected with CASP10-related conditions. This variant results in a copy number gain of the genomic region encompassing exon(s) 2-3 of the CASP10 gene. This region includes the initiator codon of the gene. This copy number gain extends beyond the assayed region for this gene and therefore may encompass additional genes. As the precise location of this event is unknown, it may be in tandem or it may be located elsewhere in the genome.

NC_000002.11:g.(?_202050501)_(202052542_?)dup

Gene: CASP10 (caspase 10; plus strand). Cytogenetic location: 2q33.1.
Variant type: Duplication.
Identifiers: ClinVar variation 2427086 (VCV002427086.4).